The following is an entry in ClinVar:

ClinVar aggregate classification (germline): Uncertain significance (1 of 4 stars; one submission).

Conditions:
Autosomal dominant nonsyndromic hearing loss 1. Also called: KONIGSMARK SYNDROME; DEAFNESS, AUTOSOMAL DOMINANT 1, WITH OR WITHOUT THROMBOCYTOPENIA. Identifiers: Orphanet 90635, MedGen C1852282, MONDO:0007424, OMIM 124900.
Progressive microcephaly-seizures-cortical blindness-developmental delay syndrome. Also called: Seizures, cortical blindness, and microcephaly syndrome. Identifiers: Orphanet 477814, MedGen C5567650, MONDO:0014714, OMIM 616632.

Submission:

Labcorp Genetics (formerly Invitae), Labcorp
Classification: Uncertain significance for Progressive microcephaly-seizures-cortical blindness-developmental delay syndrome; Autosomal dominant nonsyndromic hearing loss 1. Last evaluated: 2023-12-19. Review status: criteria provided, single submitter. Criteria: Invitae Variant Classification Sherloc (09022015). Collection method: clinical testing. Allele origin: germline.
Comment: This sequence change replaces isoleucine, which is neutral and non-polar, with methionine, which is neutral and non-polar, at codon 308 of the DIAPH1 protein (p.Ile308Met). This variant is not present in population databases (gnomAD no frequency). This variant has not been reported in the literature in individuals affected with DIAPH1-related conditions. Experimental studies and prediction algorithms are not available or were not evaluated, and the functional significance of this variant is currently unknown. In summary, the available evidence is currently insufficient to determine the role of this variant in disease. Therefore, it has been classified as a Variant of Uncertain Significance.

NM_005219.5(DIAPH1):c.924T>G (p.Ile308Met)

Gene: DIAPH1 (diaphanous related formin 1; minus strand). Cytogenetic location: 5q31.3.
Variant type: single nucleotide variant.
Coding change: c.924T>G on transcript NM_005219.5 (MANE Select); coding-DNA position 924, T replaced by G.
Protein change: p.Ile308Met; replaces isoleucine 308 with methionine.
Molecular consequence: missense variant.
Genome position (GRCh38, 1-based): chr5:141,579,097, A>C on the plus strand (T>G on the coding strand, the complement: DIAPH1 is on the minus strand). VCF-style: chr5-141579097-A-C. GRCh37 (hg19) VCF-style: chr5-140958664-A-C.
Other names: c.897T>G, p.Ile299Met (NM_001079812.3); c.924T>G, p.Ile308Met (NM_001314007.2); short protein forms I308M, I299M.
Identifiers: ClinVar variation 2945143 (VCV002945143.3), dbSNP rs2513760409, ClinGen allele CA361533237.